The following is an entry in ClinVar:

NM_001003800.2(BICD2):c.1145A>G (p.Glu382Gly)

Gene: BICD2 (BICD cargo adaptor 2; minus strand). Cytogenetic location: 9q22.31.
Variant type: single nucleotide variant.
Coding change: c.1145A>G on transcript NM_001003800.2 (MANE Select); coding-DNA position 1145, A replaced by G.
Protein change: p.Glu382Gly; replaces glutamic acid 382 with glycine.
Molecular consequence: missense variant.
Genome position (GRCh38, 1-based): chr9:92,719,500, T>C on the plus strand (A>G on the coding strand, the complement: BICD2 is on the minus strand). VCF-style: chr9-92719500-T-C. GRCh37 (hg19) VCF-style: chr9-95481782-T-C.
Other names: c.1145A>G, p.Glu382Gly (NM_015250.4); short protein forms E382G.
Identifiers: ClinVar variation 3704602 (VCV003704602.2).
Genomic context (GRCh38, chr9:92,719,500, plus strand): 5'-GCCTGCAGGCGCCGCAGGGCACTCAGATTCTCTGTGAGGCGGGTCACCTTCTCCTGCTGT[T>C]CTGACAGGGAGCCCCGCGTGTGCTCCAGCTGCTTCTGTGTGTCCTGCAGCGTTGCCAGCA-3'
Protein context (NP_001003800.1, residues 372-392): QLEHTRGSLS[Glu382Gly]QQEKVTRLTE

ClinVar aggregate classification (germline): Uncertain significance (1 of 4 stars; one submission).

Conditions:
Autosomal dominant childhood-onset proximal spinal muscular atrophy with contractures (SMALED2A). Also called: SPINAL MUSCULAR ATROPHY, LOWER EXTREMITY-PREDOMINANT, 2A, CHILDHOOD ONSET, AUTOSOMAL DOMINANT; Spinal muscular atrophy, lower extremity-predominant, 2A, autosomal dominant. Identifiers: Orphanet 363447, Orphanet 363454, MedGen C4747715, MONDO:0014121, OMIM 615290.

Submission:

Labcorp Genetics (formerly Invitae), Labcorp
Classification: Uncertain significance for Autosomal dominant childhood-onset proximal spinal muscular atrophy with contractures. Last evaluated: 2024-10-28. Review status: criteria provided, single submitter. Criteria: Invitae Variant Classification Sherloc (09022015). Collection method: clinical testing. Allele origin: germline.
Comment: This sequence change replaces glutamic acid, which is acidic and polar, with glycine, which is neutral and non-polar, at codon 382 of the BICD2 protein (p.Glu382Gly). This variant is not present in population databases (gnomAD no frequency). This variant has not been reported in the literature in individuals affected with BICD2-related conditions. Invitae Evidence Modeling of protein sequence and biophysical properties (such as structural, functional, and spatial information, amino acid conservation, physicochemical variation, residue mobility, and thermodynamic stability) indicates that this missense variant is not expected to disrupt BICD2 protein function with a negative predictive value of 80%. In summary, the available evidence is currently insufficient to determine the role of this variant in disease. Therefore, it has been classified as a Variant of Uncertain Significance.